The following is an entry in ClinVar:

ClinVar aggregate classification (germline): Uncertain significance (1 of 4 stars; one submission).

Submission:

Labcorp Genetics (formerly Invitae), Labcorp
Classification: Uncertain significance. Last evaluated: 2023-12-25. Review status: criteria provided, single submitter. Criteria: Invitae Variant Classification Sherloc (09022015). Collection method: clinical testing. Allele origin: unknown.
Comment: This variant results in a copy number gain of the genomic region encompassing exon(s) 15 of the SPPL2A gene. This region includes the termination codon of the gene. This copy number gain extends beyond the assayed region for this gene and therefore may encompass additional genes. As the precise location of this event is unknown, it may be in tandem or it may be located elsewhere in the genome. This variant has not been reported in the literature in individuals affected with SPPL2A-related conditions. In summary, the available evidence is currently insufficient to determine the role of this variant in disease. Therefore, it has been classified as a Variant of Uncertain Significance.

NC_000015.9:g.(?_50999997)_(51000091_?)dup

Gene: SPPL2A (signal peptide peptidase like 2A; minus strand). Cytogenetic location: 15q21.2.
Variant type: Duplication.
Identifiers: ClinVar variation 3243902 (VCV003243902.1).